The following is an entry in ClinVar:

ClinVar aggregate classification (germline): Uncertain significance. Review status: criteria provided, multiple submitters, no conflicts (2 of 4 stars). 2 submissions from 2 submitters: Uncertain significance (2). Last evaluated 2024-01-01.

Allele frequency attached by ClinVar (database versions not stated): ExAC 0.00002; gnomAD exomes 0.00002 and 0.00005; gnomAD 0.00005 and 0.00006; TOPMed 0.00008.

Submissions (2):

CeGaT Center for Human Genetics Tuebingen
Classification: Uncertain significance. Last evaluated: 2024-01-01. Review status: criteria provided, single submitter. Criteria: CeGaT Center For Human Genetics Tuebingen Variant Classification Criteria Version 2. Collection method: clinical testing. Allele origin: germline. Affected: yes. Observed: 1 variant allele.
Comment: MYO1A: PP3

Eurofins Ntd Llc (ga)
Classification: Uncertain significance. Last evaluated: 2018-02-16. Review status: criteria provided, single submitter. Criteria: EGL ClinVar v180209 classification definitions. Collection method: clinical testing. Allele origin: germline. Observed: 1 variant allele, 1 heterozygote.

NM_005379.4(MYO1A):c.340G>A (p.Val114Met)

Genes: MYO1A (myosin IA; minus strand), LOC126861538 (BRD4-independent group 4 enhancer GRCh37_chr12:57440635-57441834; plus strand). Cytogenetic location: 12q13.3.
Variant type: single nucleotide variant.
Coding change: c.340G>A on transcript NM_005379.4 (MANE Select); coding-DNA position 340, G replaced by A.
Protein change: p.Val114Met; replaces valine 114 with methionine.
Molecular consequence: missense variant.
Genome position (GRCh38, 1-based): chr12:57,047,393, C>T on the plus strand (G>A on the coding strand, the complement: MYO1A is on the minus strand). VCF-style: chr12-57047393-C-T. GRCh37 (hg19) VCF-style: chr12-57441177-C-T.
Other names: c.340G>A, p.Val114Met (NM_001256041.2); short protein forms V114M.
Identifiers: ClinVar variation 309921 (VCV000309921.27), dbSNP rs765501066, ClinGen allele CA6640503.